The following is an entry in ClinVar:

ClinVar aggregate classification (germline): Uncertain significance (1 of 4 stars; one submission).

gnomAD v4.1: 30 of 1,613,092 alleles (0.0019%); highest among the groups gnomAD compares: Non-Finnish European, 0.0025%; no homozygotes.

Submission:

Labcorp Genetics (formerly Invitae), Labcorp
Classification: Uncertain significance. Last evaluated: 2024-04-02. Review status: criteria provided, single submitter. Criteria: Invitae Variant Classification Sherloc (09022015). Collection method: clinical testing. Allele origin: germline.
Comment: This sequence change replaces histidine, which is basic and polar, with tyrosine, which is neutral and polar, at codon 1101 of the CACNA2D4 protein (p.His1101Tyr). This variant is present in population databases (no rsID available, gnomAD 0.0008%). This variant has not been reported in the literature in individuals affected with CACNA2D4-related conditions. An algorithm developed to predict the effect of missense changes on protein structure and function (PolyPhen-2) suggests that this variant is likely to be disruptive. In summary, the available evidence is currently insufficient to determine the role of this variant in disease. Therefore, it has been classified as a Variant of Uncertain Significance.

NM_172364.5(CACNA2D4):c.3301C>T (p.His1101Tyr)

Gene: CACNA2D4 (calcium voltage-gated channel auxiliary subunit alpha2delta 4; minus strand). Cytogenetic location: 12p13.33.
Variant type: single nucleotide variant.
Coding change: c.3301C>T on transcript NM_172364.5 (MANE Select); coding-DNA position 3301, C replaced by T.
Protein change: p.His1101Tyr; replaces histidine 1101 with tyrosine.
Molecular consequence: missense variant.
Genome position (GRCh38, 1-based): chr12:1,795,307, G>A on the plus strand (C>T on the coding strand, the complement: CACNA2D4 is on the minus strand). VCF-style: chr12-1795307-G-A. GRCh37 (hg19) VCF-style: chr12-1904473-G-A.
Other names: short protein forms H1101Y.
Identifiers: ClinVar variation 3618507 (VCV003618507.2).
Genomic context (GRCh38, chr12:1,795,307, plus strand): 5'-GAGGGTTTGGGGATGAAAATCCAGCCCACCCTCGATCCGCCTCAACCCGCACCTCTGGAT[G>A]GAAGGCGTGGCAGGAGTCTGGTCGCCGGCGGAGCTTCTGGGAGCGCATCCGGTCACATTT-3'
Protein context (NP_758952.4, residues 1091-1111): RRRPDSCHAF[His1101Tyr]PEENAQDCGG